The following is an entry in ClinVar:

ClinVar aggregate classification (germline): Pathogenic (1 of 4 stars; one submission).

Conditions:
Phenylketonuria (PKU). Also called: Phenylketonuria (PKU); FOLLING DISEASE; OLIGOPHRENIA PHENYLPYRUVICA; Phenylketonurias. Identifiers: Orphanet 716, MedGen C0031485, MONDO:0009861, OMIM 261600. Disease mechanism: loss of function.

Submission:

Labcorp Genetics (formerly Invitae), Labcorp
Classification: Pathogenic for Phenylketonuria. Last evaluated: 2022-05-28. Review status: criteria provided, single submitter. Criteria: Invitae Variant Classification Sherloc (09022015). Collection method: clinical testing. Allele origin: germline.
Comment: This sequence change replaces glycine, which is neutral and non-polar, with arginine, which is basic and polar, at codon 171 of the PAH protein (p.Gly171Arg). For these reasons, this variant has been classified as Pathogenic. Algorithms developed to predict the effect of missense changes on protein structure and function are either unavailable or do not agree on the potential impact of this missense change (SIFT: "Not Available"; PolyPhen-2: "Probably Damaging"; Align-GVGD: "Not Available"). ClinVar contains an entry for this variant (Variation ID: 1384858). This missense change has been observed in individual(s) with PAH-related conditions (PMID: 26600521, 28982351, 30626930; Invitae). In at least one individual the data is consistent with being in trans (on the opposite chromosome) from a pathogenic variant. This variant is not present in population databases (gnomAD no frequency).

Literature cited by the submitters: PubMed 26600521; PubMed 28982351; PubMed 30626930.

NM_000277.3(PAH):c.511G>C (p.Gly171Arg)

Gene: PAH (phenylalanine hydroxylase; minus strand). Cytogenetic location: 12q23.2.
Variant type: single nucleotide variant.
Coding change: c.511G>C on transcript NM_000277.3 (MANE Select); coding-DNA position 511, G replaced by C.
Protein change: p.Gly171Arg; replaces glycine 171 with arginine.
Molecular consequence: missense variant.
Genome position (GRCh38, 1-based): chr12:102,855,331, C>G on the plus strand (G>C on the coding strand, the complement: PAH is on the minus strand). VCF-style: chr12-102855331-C-G. GRCh37 (hg19) VCF-style: chr12-103249109-C-G.
Other names: c.511G>C, p.Gly171Arg (NM_001354304.2); short protein forms G171R.
Identifiers: ClinVar variation 1384858 (VCV001384858.8), dbSNP rs199475613, ClinGen allele CA386297069.